The following is an entry in ClinVar:

NM_015662.3(IFT172):c.270C>A (p.Ile90=)

Gene: IFT172 (intraflagellar transport 172; minus strand). Cytogenetic location: 2p23.3.
Variant type: single nucleotide variant.
Coding change: c.270C>A on transcript NM_015662.3 (MANE Select); coding-DNA position 270, C replaced by A.
Protein change: p.Ile90=; no amino-acid change (isoleucine 90 retained).
Molecular consequence: synonymous variant.
Genome position (GRCh38, 1-based): chr2:27,485,044, G>T on the plus strand (C>A on the coding strand, the complement: IFT172 is on the minus strand). VCF-style: chr2-27485044-G-T. GRCh37 (hg19) VCF-style: chr2-27707911-G-T.
Other names: c.270C>A (NM_015662.2).
Identifiers: ClinVar variation 1093766 (VCV001093766.11), dbSNP rs759058747, ClinGen allele CA1581064.
Genomic context (GRCh38, chr2:27,485,044, plus strand): 5'-CTGGGCCATCCCATCTCCCAGTCTCTATCCTCACCAATCTTCTCCAATCTTGTAGACATA[G>T]ATGATGTTGTCAGTCTGTCCTATGGCAATTTTAGTGGAATCAGGAGAAAAAGCCATGCCC-3'
Protein context (NP_056477.1, residues 80-100): KIAIGQTDNI[Ile90=]YVYKIGEDWG

ClinVar aggregate classification (germline): Likely benign. Review status: criteria provided, multiple submitters, no conflicts (2 of 4 stars). 3 submissions from 3 submitters: Likely benign (2). 1 of the submissions does not count toward it. Last evaluated 2025-10-27.

Conditions:
Bardet-Biedl syndrome 20. Identifiers: MedGen C4310707, MONDO:0023670, OMIM 619471, MONDO:0014926.
Retinitis pigmentosa 71 (RP71). Identifiers: Orphanet 791, MedGen C4225342, MONDO:0014618, OMIM 616394.
Short-rib thoracic dysplasia 10 with or without polydactyly (SRTD10). Identifiers: Orphanet 474, MedGen C3810175, MONDO:0014284, OMIM 615630.
IFT172-related disorder. Also called: IFT172-related disorders; IFT172-related condition.

Allele frequency attached by ClinVar (database versions not stated): ExAC 0.00001; gnomAD 0.00001; gnomAD exomes 0.00001 and 0.00002.
gnomAD v4.1: 11 of 1,595,874 alleles (0.00069%); highest among the groups gnomAD compares: Non-Finnish European, 0.00086%; no homozygotes.

Submissions (3):

Labcorp Genetics (formerly Invitae), Labcorp
Classification: Likely benign for Retinitis pigmentosa 71; Short-rib thoracic dysplasia 10 with or without polydactyly. Last evaluated: 2025-10-27. Review status: criteria provided, single submitter. Criteria: Invitae Variant Classification Sherloc (09022015). Collection method: clinical testing. Allele origin: germline.

Fulgent Genetics
Classification: Likely benign for Short-rib thoracic dysplasia 10 with or without polydactyly; Retinitis pigmentosa 71; Bardet-Biedl syndrome 20. Last evaluated: 2021-09-01. Review status: criteria provided, single submitter. Criteria: ACMG Guidelines, 2015. Collection method: clinical testing. Allele origin: unknown.

PreventionGenetics, part of Exact Sciences
Classification: Likely benign for IFT172-related condition. Last evaluated: 2024-03-20. Review status: no assertion criteria provided. Collection method: clinical testing. Allele origin: germline. Not counted in ClinVar's aggregate classification.
Comment: This variant is classified as likely benign based on ACMG/AMP sequence variant interpretation guidelines (Richards et al. 2015 PMID: 25741868, with internal and published modifications).